The following is an entry in ClinVar:

NM_000302.4(PLOD1):c.527del (p.Ser176fs)

Gene: PLOD1 (procollagen-lysine,2-oxoglutarate 5-dioxygenase 1; plus strand). Cytogenetic location: 1p36.22.
Variant type: Deletion.
Coding change: c.527del on transcript NM_000302.4 (MANE Select); coding-DNA position 527, one base deleted (G; older notation c.527delG).
Protein change: p.Ser176fs; shifts the reading frame from serine 176.
Molecular consequence: frameshift variant.
Genome position (GRCh38, 1-based): chr1:11,952,683, G deleted. VCF-style (leftmost placement, unchanged base first): chr1-11952682-AG-A. GRCh37 (hg19) VCF-style: chr1-12012739-AG-A.
Other names: c.668del, p.Ser223fs (NM_001316320.2); short protein forms S176fs, S223fs.
Identifiers: ClinVar variation 5016676 (VCV005016676.1).

ClinVar aggregate classification (germline): Pathogenic (1 of 4 stars; one submission).

Conditions:
Fetal anomalies with a likely genetic cause.

Submission:

Genetics Laboratory, Great Ormond Street Hospital NHS Foundation Trust, North Thames Genomic Laboratory Hub
Classification: Pathogenic for Fetal anomalies with a likely genetic cause. Last evaluated: 2026-08-14. Review status: criteria provided, single submitter. Criteria: ACGS Best Practice Guidelines for Variant Classification in Rare Disease 2024 v1.2. Collection method: clinical testing. Allele origin: germline. Affected: yes.
Comment: PM2_moderate, PVS1_very-strong